The following is an entry in ClinVar:

NM_022041.4(GAN):c.782C>T (p.Ala261Val)

Gene: GAN (gigaxonin; plus strand). Cytogenetic location: 16q23.2.
Variant type: single nucleotide variant.
Coding change: c.782C>T on transcript NM_022041.4 (MANE Select); coding-DNA position 782, C replaced by T.
Protein change: p.Ala261Val; replaces alanine 261 with valine.
Molecular consequence: missense variant.
Genome position (GRCh38, 1-based): chr16:81,356,933, C>T. VCF-style: chr16-81356933-C-T. GRCh37 (hg19) VCF-style: chr16-81390538-C-T.
Other names: c.143C>T, p.Ala48Val (NM_001377486.1); short protein forms A261V, A48V.
Identifiers: ClinVar variation 1037226 (VCV001037226.10), dbSNP rs574374537, ClinGen allele CA8191477.

ClinVar aggregate classification (germline): Uncertain significance. Review status: criteria provided, multiple submitters, no conflicts (2 of 4 stars). 2 submissions from 2 submitters: Uncertain significance (2). Last evaluated 2022-01-23.

Conditions:
Giant axonal neuropathy 1 (GAN1). Also called: GIANT AXONAL NEUROPATHY 1, AUTOSOMAL RECESSIVE; GAN-Related Neurodegeneration. Identifiers: Orphanet 643, MedGen C1850386, MONDO:0009749, OMIM 256850.

Allele frequency attached by ClinVar (database versions not stated): TOPMed 0.00002; gnomAD exomes 0.00003 and 0.00005; ExAC 0.00004; gnomAD 0.00005 and 0.00006.
gnomAD v4.1: 79 of 1,613,466 alleles (0.0049%); highest among the groups gnomAD compares: South Asian, 0.0066%; no homozygotes.

Submissions (2):

Labcorp Genetics (formerly Invitae), Labcorp
Classification: Uncertain significance for Giant axonal neuropathy 1. Last evaluated: 2022-01-23. Review status: criteria provided, single submitter. Criteria: Invitae Variant Classification Sherloc (09022015). Collection method: clinical testing. Allele origin: germline.
Comment: This sequence change replaces alanine, which is neutral and non-polar, with valine, which is neutral and non-polar, at codon 261 of the GAN protein (p.Ala261Val). This variant is present in population databases (rs574374537, gnomAD 0.006%). This variant has not been reported in the literature in individuals affected with GAN-related conditions. ClinVar contains an entry for this variant (Variation ID: 1037226). Algorithms developed to predict the effect of missense changes on protein structure and function are either unavailable or do not agree on the potential impact of this missense change (SIFT: "Deleterious"; PolyPhen-2: "Benign"; Align-GVGD: "Class C55"). Algorithms developed to predict the effect of sequence changes on RNA splicing suggest that this variant may create or strengthen a splice site. In summary, the available evidence is currently insufficient to determine the role of this variant in disease. Therefore, it has been classified as a Variant of Uncertain Significance.

ARUP Laboratories, Molecular Genetics and Genomics, ARUP Laboratories
Classification: Uncertain significance for Giant axonal neuropathy 1. Last evaluated: 2020-12-16. Review status: criteria provided, single submitter. Criteria: ARUP Molecular Germline Variant Investigation Process 2021. Collection method: clinical testing. Allele origin: germline.
Comment: The GAN c.782C>T; p.Ala261Val variant (rs574374537), to our knowledge, is not reported in the medical literature or gene-specific databases. This variant is found on nine chromosomes (9/282858 alleles) in the Genome Aggregation Database. The alanine at codon 261 is highly conserved, but computational analyses are uncertain whether this variant is neutral or deleterious (REVEL: 0.362). However, given the lack of clinical and functional data, the significance of the p.Ala261Val variant is uncertain at this time.